The following is an entry in ClinVar:

ClinVar aggregate classification (germline): Conflicting classifications of pathogenicity. Review status: criteria provided, conflicting classifications (1 of 4 stars). 3 submissions from 3 submitters: Uncertain significance (2); Likely benign (1). Last evaluated 2025-12-21.

Conditions:
Hereditary cancer-predisposing syndrome. Also called: Tumor predisposition; Hereditary Cancer Syndrome; Neoplastic Syndromes, Hereditary; Hereditary neoplastic syndrome. Identifiers: Orphanet 140162, MedGen C0027672, MeSH D009386, MONDO:0015356.
Ataxia-telangiectasia syndrome (AT). Also called: Cerebello-oculocutaneous telangiectasia; Immunodeficiency with ataxia telangiectasia; Ataxia-telangiectasia, complementation group D; AT, COMPLEMENTATION GROUP C; Ataxia-telangiectasia, complementation group E; LOUIS-BAR SYNDROME. Identifiers: Orphanet 100, MedGen C0004135, MONDO:0008840, OMIM 208900.

Allele frequency attached by ClinVar (database versions not stated): gnomAD 0.00001; TOPMed below 0.00001.
gnomAD v4.1: 1 of 1,613,938 alleles (0.000062%); highest among the groups gnomAD compares: Non-Finnish European, 0.000085%; no homozygotes.

Submissions (3):

Labcorp Genetics (formerly Invitae), Labcorp
Classification: Uncertain significance for Ataxia-telangiectasia syndrome. Last evaluated: 2025-12-21. Review status: criteria provided, single submitter. Criteria: Invitae Variant Classification Sherloc (09022015). Collection method: clinical testing. Allele origin: germline.
Comment: This sequence change replaces histidine, which is basic and polar, with tyrosine, which is neutral and polar, at codon 1082 of the ATM protein (p.His1082Tyr). This variant is present in population databases (no rsID available, gnomAD 0.007%). This missense change has been observed in individual(s) with prostate cancer (PMID: 33436325). ClinVar contains an entry for this variant (Variation ID: 453454). Invitae Evidence Modeling of protein sequence and biophysical properties (such as structural, functional, and spatial information, amino acid conservation, physicochemical variation, residue mobility, and thermodynamic stability) indicates that this missense variant is not expected to disrupt ATM protein function with a negative predictive value of 95%. In summary, the available evidence is currently insufficient to determine the role of this variant in disease. Therefore, it has been classified as a Variant of Uncertain Significance.

Ambry Genetics
Classification: Likely benign for Hereditary cancer-predisposing syndrome. Last evaluated: 2025-11-06. Review status: criteria provided, single submitter. Criteria: Ambry Variant Classification Scheme 2023. Collection method: clinical testing. Allele origin: germline.

Color Diagnostics, LLC DBA Color Health
Classification: Uncertain significance for Hereditary cancer-predisposing syndrome. Last evaluated: 2019-10-15. Review status: criteria provided, single submitter. Criteria: ACMG Guidelines, 2015. Collection method: clinical testing. Allele origin: germline.
Comment: This missense variant replaces histidine with tyrosine at codon 1082 of the ATM protein. Computational prediction suggests that this variant may not impact protein structure and function (internally defined REVEL score threshold <= 0.5, PMID: 27666373). Splice site prediction tools suggest that this variant may not impact RNA splicing. To our knowledge, functional studies have not been performed for this variant. This variant has not been reported in individuals affected with hereditary cancer in the literature. This variant has been identified in 1/31398 chromosomes in the general population by the Genome Aggregation Database (gnomAD). The available evidence is insufficient to determine the role of this variant in disease conclusively. Therefore, this variant is classified as a Variant of Uncertain Significance.

Literature cited by the submitters: PubMed 33436325 (cited by Labcorp Genetics (formerly Invitae), Labcorp); PubMed 40580951 (cited by Ambry Genetics).

NM_000051.4(ATM):c.3244C>T (p.His1082Tyr)

Gene: ATM (ATM serine/threonine kinase; plus strand). Cytogenetic location: 11q22.3.
Variant type: single nucleotide variant.
Coding change: c.3244C>T on transcript NM_000051.4 (MANE Select); coding-DNA position 3244, C replaced by T.
Protein change: p.His1082Tyr; replaces histidine 1082 with tyrosine.
Molecular consequence: missense variant.
Genome position (GRCh38, 1-based): chr11:108,272,812, C>T. VCF-style: chr11-108272812-C-T. GRCh37 (hg19) VCF-style: chr11-108143539-C-T.
Other names: c.3244C>T, p.His1082Tyr (NM_001351834.2); short protein forms H1082Y.
Identifiers: ClinVar variation 453454 (VCV000453454.18), dbSNP rs1302626569, ClinGen allele CA382516014.